The following is an entry in ClinVar:

ClinVar aggregate classification (germline): Uncertain significance (1 of 4 stars; one submission).

Conditions:
Inclusion body myopathy with early-onset Paget disease with or without frontotemporal dementia 2 (IBMPFD2). Also called: MULTISYSTEM PROTEINOPATHY 2. Identifiers: MedGen C3809468, MONDO:0014178, OMIM 615422.

Submission:

Labcorp Genetics (formerly Invitae), Labcorp
Classification: Uncertain significance for Inclusion body myopathy with early-onset Paget disease with or without frontotemporal dementia 2. Last evaluated: 2022-03-18. Review status: criteria provided, single submitter. Criteria: Invitae Variant Classification Sherloc (09022015). Collection method: clinical testing. Allele origin: germline.
Comment: In summary, the available evidence is currently insufficient to determine the role of this variant in disease. Therefore, it has been classified as a Variant of Uncertain Significance. Experimental studies and prediction algorithms are not available or were not evaluated, and the functional significance of this variant is currently unknown. This variant has not been reported in the literature in individuals affected with HNRNPA2B1-related conditions. This variant is a gross deletion of the genomic region encompassing exon(s) 1 of the HNRNPA2B1 gene, which includes the initiator codon. This deletion extends beyond the assayed region for this gene and therefore may encompass additional genes. It is expected to result in an absent or disrupted protein product. However, the current clinical and genetic evidence is not sufficient to establish whether loss-of-function variants in HNRNPA2B1 cause disease.

NC_000007.13:g.(?_26240172)_(26240197_?)del

Gene: HNRNPA2B1 (heterogeneous nuclear ribonucleoprotein A2/B1; minus strand). Cytogenetic location: 7p15.2.
Variant type: Deletion.
Identifiers: ClinVar variation 2426964 (VCV002426964.3).